The following is an entry in ClinVar:

ClinVar aggregate classification (germline): Uncertain significance (1 of 4 stars; one submission).

Allele frequency attached by ClinVar (database versions not stated): gnomAD exomes below 0.00001.
gnomAD v4.1: 1 of 1,614,164 alleles (0.000062%); highest among the groups gnomAD compares: South Asian, 0.0011%; no homozygotes.

Submission:

Labcorp Genetics (formerly Invitae), Labcorp
Classification: Uncertain significance. Last evaluated: 2022-01-12. Review status: criteria provided, single submitter. Criteria: Invitae Variant Classification Sherloc (09022015). Collection method: clinical testing. Allele origin: germline.
Comment: This sequence change replaces valine, which is neutral and non-polar, with isoleucine, which is neutral and non-polar, at codon 90 of the MRPS7 protein (p.Val90Ile). This variant is not present in population databases (gnomAD no frequency). This variant has not been reported in the literature in individuals affected with MRPS7-related conditions. Algorithms developed to predict the effect of missense changes on protein structure and function (SIFT, PolyPhen-2, Align-GVGD) all suggest that this variant is likely to be tolerated. In summary, the available evidence is currently insufficient to determine the role of this variant in disease. Therefore, it has been classified as a Variant of Uncertain Significance.

NM_015971.4(MRPS7):c.268G>A (p.Val90Ile)

Gene: MRPS7 (mitochondrial ribosomal protein S7; plus strand). Cytogenetic location: 17q25.1.
Variant type: single nucleotide variant.
Coding change: c.268G>A on transcript NM_015971.4 (MANE Select); coding-DNA position 268, G replaced by A.
Protein change: p.Val90Ile; replaces valine 90 with isoleucine.
Molecular consequence: missense variant.
Genome position (GRCh38, 1-based): chr17:75,262,681, G>A. VCF-style: chr17-75262681-G-A. GRCh37 (hg19) VCF-style: chr17-73258762-G-A.
Other names: short protein forms V90I.
Identifiers: ClinVar variation 2071544 (VCV002071544.4), dbSNP rs2545053198, ClinGen allele CA401006745.